The following is an entry in ClinVar:

ClinVar aggregate classification (germline): Pathogenic (1 of 4 stars; one submission).

Submission:

Labcorp Genetics (formerly Invitae), Labcorp
Classification: Pathogenic. Last evaluated: 2023-10-23. Review status: criteria provided, single submitter. Criteria: Invitae Variant Classification Sherloc (09022015). Collection method: clinical testing. Allele origin: germline.
Comment: This sequence change creates a premature translational stop signal (p.Asp162Argfs*9) in the TET2 gene. It is expected to result in an absent or disrupted protein product. Loss-of-function variants in TET2 are known to be pathogenic (PMID: 36066697). This variant is not present in population databases (gnomAD no frequency). This variant has not been reported in the literature in individuals affected with TET2-related conditions. For these reasons, this variant has been classified as Pathogenic.

Literature cited by the submitters: PubMed 36066697.

NM_001127208.3(TET2):c.483dup (p.Asp162fs)

Genes: TET2 (tet methylcytosine dioxygenase 2; plus strand), TET2-AS1 (TET2 antisense RNA 1; minus strand). Cytogenetic location: 4q24.
Variant type: Duplication.
Coding change: c.483dup on transcript NM_001127208.3 (MANE Select); coding-DNA position 483, one base duplicated (A; older notation c.483dupA).
Protein change: p.Asp162fs; shifts the reading frame from aspartic acid 162.
Molecular consequence: frameshift variant.
Genome position (GRCh38, 1-based): chr4:105,234,425, A duplicated; the last of 3 consecutive A bases (chr4:105,234,423-105,234,425); duplicating any one gives the same sequence. VCF-style (leftmost placement, unchanged base first): chr4-105234422-T-TA. GRCh37 (hg19) VCF-style: chr4-106155579-T-TA.
Other names: c.483dup, p.Asp162fs (NM_017628.4); short protein forms D162fs.
Identifiers: ClinVar variation 2790450 (VCV002790450.3), dbSNP rs1728704616, ClinGen allele CA645533569.